The following is an entry in ClinVar:

ClinVar aggregate classification (germline): Uncertain significance (1 of 4 stars; one submission).

Conditions:
Usher syndrome type 1C. Also called: USHER SYNDROME, TYPE I, ACADIAN VARIETY. Identifiers: Orphanet 231169, Orphanet 886, MedGen C1848604, MONDO:0010171, OMIM 276904.

Submission:

Myriad Genetics, Inc.
Classification: Uncertain significance for Usher syndrome type 1C. Last evaluated: 2026-03-30. Review status: criteria provided, single submitter. Criteria: Myriad Autosomal Dominant, Autosomal Recessive and X-Linked Classification Criteria (2023). Collection method: clinical testing. Allele origin: unknown.
Comment: NM_005709.3(USH1C):c.1215T>A(D405E) is a missense variant classified as a variant of uncertain significance in the context of USH1C-related disorders. D405E has not been observed in cases with relevant disease. Relevant functional assessments of this variant are not available in the literature. D405E has not been observed in referenced population frequency databases. In summary, there is insufficient evidence to classify NM_005709.3(USH1C):c.1215T>A(D405E) as pathogenic or benign. Please note: this variant was assessed in the context of healthy population screening.

NM_005709.4(USH1C):c.1215T>A (p.Asp405Glu)

Gene: USH1C (USH1 protein network component harmonin; minus strand). Cytogenetic location: 11p15.1.
Variant type: single nucleotide variant.
Coding change: c.1215T>A on transcript NM_005709.4 (MANE Plus Clinical); coding-DNA position 1215, T replaced by A.
Protein change: p.Asp405Glu; replaces aspartic acid 405 with glutamic acid.
Molecular consequence: missense variant. On other transcripts: intron variant (3).
Genome position (GRCh38, 1-based): chr11:17,517,470, A>T on the plus strand (T>A on the coding strand, the complement: USH1C is on the minus strand). VCF-style: chr11-17517470-A-T. GRCh37 (hg19) VCF-style: chr11-17539017-A-T.
Other names: c.1158T>A, p.Asp386Glu (NM_001297764.2); c.1248T>A, p.Asp416Glu (NM_001440679.1, NM_001440684.1); c.1215T>A, p.Asp405Glu (NM_001440680.1, NM_001440682.1, NM_001440683.1 and 1 more transcripts); c.1191T>A, p.Asp397Glu (NM_001440686.1); c.1210+3400T>A (NM_001440687.1); c.1211-1180T>A (NM_001440681.1, NM_153676.4); short protein forms D397E, D416E, D405E, D386E.
Identifiers: ClinVar variation 5003693 (VCV005003693.1).